The following is an entry in ClinVar:

ClinVar aggregate classification (germline): Uncertain significance (1 of 4 stars; one submission).

Conditions:
Neural tube defects, folate-sensitive (NTDFS). Also called: NTD, FOLATE-SENSITIVE. Identifiers: Orphanet 823, MedGen C1866558, MONDO:0011120, OMIM 601634.
Methylcobalamin deficiency type cblG (HMAG). Also called: HOMOCYSTINURIA-MEGALOBLASTIC ANEMIA DUE TO DEFECT IN COBALAMIN METABOLISM, cblG COMPLEMENTATION TYPE; Functional methionine synthase deficiency type cblG; HOMOCYSTINURIA-MEGALOBLASTIC ANEMIA, cblG COMPLEMENTATION TYPE; HOMOCYSTINURIA-MEGALOBLASTIC ANEMIA, cblG TYPE. Identifiers: Orphanet 2170, Orphanet 622, MedGen C1855128, MONDO:0009609, OMIM 250940.

Submission:

Juno Genomics, Hangzhou Juno Genomics, Inc
Classification: Uncertain significance for Neural tube defects, folate-sensitive; Methylcobalamin deficiency type cblG. Review status: criteria provided, single submitter. Criteria: ACMG Guidelines, 2015. Collection method: clinical testing. Allele origin: germline.
Comment: Absent from controls (or at extremely low frequency if recessive) in Genome Aggregation Database.;Multiple lines of computational evidence support a deleterious effect on the gene or gene product.

NM_000254.3(MTR):c.3007+4A>G

Gene: MTR (5-methyltetrahydrofolate-homocysteine methyltransferase; plus strand). Cytogenetic location: 1q43.
Variant type: single nucleotide variant.
Coding change: c.3007+4A>G on transcript NM_000254.3 (MANE Select); 4 bases into the intron after coding-DNA position 3007, A replaced by G.
Molecular consequence: intron variant.
Genome position (GRCh38, 1-based): chr1:236,889,340, A>G. VCF-style: chr1-236889340-A-G. GRCh37 (hg19) VCF-style: chr1-237052640-A-G.
Other names: c.1786+4A>G (NM_001291940.2); c.2854+4A>G (NM_001291939.1); c.2818+4A>G (NM_001410942.1).
Identifiers: ClinVar variation 5006320 (VCV005006320.2).